The following is an entry in ClinVar:

NM_001353921.2(ARHGEF9):c.877G>A (p.Glu293Lys)

Gene: ARHGEF9 (Cdc42 guanine nucleotide exchange factor 9; minus strand). Cytogenetic location: Xq11.1.
Variant type: single nucleotide variant.
Coding change: c.877G>A on transcript NM_001353921.2 (MANE Select); coding-DNA position 877, G replaced by A.
Protein change: p.Glu293Lys; replaces glutamic acid 293 with lysine.
Molecular consequence: missense variant.
Genome position (GRCh38, 1-based): chrX:63,674,106, C>T on the plus strand (G>A on the coding strand, the complement: ARHGEF9 is on the minus strand). VCF-style: chrX-63674106-C-T. GRCh37 (hg19) VCF-style: chrX-62893986-C-T.
Other names: c.697G>A, p.Glu233Lys (NM_001173479.2); c.550G>A, p.Glu184Lys (NM_001173480.2, NM_001369042.1); c.793G>A, p.Glu265Lys (NM_001330495.2, NM_001353927.2, NM_001369033.1 and 8 more transcripts); c.877G>A, p.Glu293Lys (NM_001353922.2); c.895G>A, p.Glu299Lys (NM_001353923.1); c.676G>A, p.Glu226Lys (NM_001353924.2, NM_001353926.2, NM_001369039.1 and 1 more transcripts); c.856G>A, p.Glu286Lys (NM_001353928.2, NM_001369030.1, NM_001369031.1 and 2 more transcripts); c.442G>A, p.Glu148Lys (NM_001369045.1); short protein forms E148K, E184K, E226K, E233K, E265K, E286K, E293K, E299K.
Identifiers: ClinVar variation 3384584 (VCV003384584.2).

ClinVar aggregate classification (germline): Uncertain significance (1 of 4 stars; one submission).

Submission:

GeneDx
Classification: Uncertain significance. Last evaluated: 2026-05-08. Review status: criteria provided, single submitter. Criteria: GeneDx Variant Classification Process June 2021. Collection method: clinical testing. Allele origin: germline.
Comment: Not observed at significant frequency in large population cohorts (gnomAD); In silico analysis supports that this missense variant has a deleterious effect on protein structure/function; Has not been previously published as pathogenic or benign to our knowledge